The following is an entry in ClinVar:

NM_001563.4(IMPG1):c.2212G>A (p.Glu738Lys)

Gene: IMPG1 (interphotoreceptor matrix proteoglycan 1; minus strand). Cytogenetic location: 6q14.1.
Variant type: single nucleotide variant.
Coding change: c.2212G>A on transcript NM_001563.4 (MANE Select); coding-DNA position 2212, G replaced by A.
Protein change: p.Glu738Lys; replaces glutamic acid 738 with lysine.
Molecular consequence: missense variant.
Genome position (GRCh38, 1-based): chr6:75,930,984, C>T on the plus strand (G>A on the coding strand, the complement: IMPG1 is on the minus strand). VCF-style: chr6-75930984-C-T. GRCh37 (hg19) VCF-style: chr6-76640701-C-T.
Other names: c.1978G>A, p.Glu660Lys (NM_001282368.2); short protein forms E660K, E738K.
Identifiers: ClinVar variation 1922038 (VCV001922038.5), dbSNP rs774566521, ClinGen allele CA3897900.

ClinVar aggregate classification (germline): Uncertain significance (1 of 4 stars; one submission).

Allele frequency attached by ClinVar (database versions not stated): gnomAD 0.00001; TOPMed 0.00001; ExAC 0.00002.
gnomAD v4.1: 9 of 1,614,078 alleles (0.00056%); highest among the groups gnomAD compares: Admixed American, 0.0067%; no homozygotes.

Submission:

Labcorp Genetics (formerly Invitae), Labcorp
Classification: Uncertain significance. Last evaluated: 2024-02-24. Review status: criteria provided, single submitter. Criteria: Invitae Variant Classification Sherloc (09022015). Collection method: clinical testing. Allele origin: germline.
Comment: This sequence change replaces glutamic acid, which is acidic and polar, with lysine, which is basic and polar, at codon 738 of the IMPG1 protein (p.Glu738Lys). This variant is present in population databases (rs774566521, gnomAD 0.009%). This variant has not been reported in the literature in individuals affected with IMPG1-related conditions. ClinVar contains an entry for this variant (Variation ID: 1922038). An algorithm developed to predict the effect of missense changes on protein structure and function (PolyPhen-2) suggests that this variant is likely to be tolerated. In summary, the available evidence is currently insufficient to determine the role of this variant in disease. Therefore, it has been classified as a Variant of Uncertain Significance.